The following is an entry in ClinVar:

ClinVar aggregate classification (germline): Uncertain significance. Review status: criteria provided, multiple submitters, no conflicts (2 of 4 stars). 2 submissions from 2 submitters: Uncertain significance (2). Last evaluated 2025-04-05.

Conditions:
Fanconi anemia complementation group J. Also called: BRIP1-Related Fanconi Anemia. Identifiers: Orphanet 84, MedGen C1836860, MONDO:0012187, OMIM 609054.
Familial cancer of breast. Also called: BREAST CANCER, FAMILIAL; Hereditary breast cancer; hereditary breast carcinoma. Identifiers: Orphanet 227535, MedGen C0346153, MONDO:0016419, OMIM 114480. Disease mechanism: loss of function.
Hereditary cancer-predisposing syndrome. Also called: Tumor predisposition; Neoplastic Syndromes, Hereditary; Hereditary Cancer Syndrome; Hereditary neoplastic syndrome. Identifiers: Orphanet 140162, MedGen C0027672, MeSH D009386, MONDO:0015356.

Submissions (2):

Ambry Genetics
Classification: Uncertain significance for Hereditary cancer-predisposing syndrome. Last evaluated: 2025-04-05. Review status: criteria provided, single submitter. Criteria: Ambry Variant Classification Scheme 2023. Collection method: clinical testing. Allele origin: germline.
Comment: The p.F735L variant (also known as c.2205T>G), located in coding exon 14 of the BRIP1 gene, results from a T to G substitution at nucleotide position 2205. The phenylalanine at codon 735 is replaced by leucine, an amino acid with highly similar properties. This amino acid position is highly conserved in available vertebrate species. In addition, the in silico prediction for this alteration is inconclusive. Since supporting evidence is limited at this time, the clinical significance of this alteration remains unclear.

Labcorp Genetics (formerly Invitae), Labcorp
Classification: Uncertain significance for Familial cancer of breast; Fanconi anemia complementation group J. Last evaluated: 2024-09-17. Review status: criteria provided, single submitter. Criteria: Invitae Variant Classification Sherloc (09022015). Collection method: clinical testing. Allele origin: germline.
Comment: This sequence change replaces phenylalanine, which is neutral and non-polar, with leucine, which is neutral and non-polar, at codon 735 of the BRIP1 protein (p.Phe735Leu). This variant is not present in population databases (gnomAD no frequency). This variant has not been reported in the literature in individuals affected with BRIP1-related conditions. ClinVar contains an entry for this variant (Variation ID: 1787687). Invitae Evidence Modeling of protein sequence and biophysical properties (such as structural, functional, and spatial information, amino acid conservation, physicochemical variation, residue mobility, and thermodynamic stability) has been performed for this missense variant. However, the output from this modeling did not meet the statistical confidence thresholds required to predict the impact of this variant on BRIP1 protein function. In summary, the available evidence is currently insufficient to determine the role of this variant in disease. Therefore, it has been classified as a Variant of Uncertain Significance.

NM_032043.3(BRIP1):c.2205T>G (p.Phe735Leu)

Gene: BRIP1 (BRCA1 interacting DNA helicase 1; minus strand). Cytogenetic location: 17q23.2.
Variant type: single nucleotide variant.
Coding change: c.2205T>G on transcript NM_032043.3 (MANE Select); coding-DNA position 2205, T replaced by G.
Protein change: p.Phe735Leu; replaces phenylalanine 735 with leucine.
Molecular consequence: missense variant.
Genome position (GRCh38, 1-based): chr17:61,744,484, A>C on the plus strand (T>G on the coding strand, the complement: BRIP1 is on the minus strand). VCF-style: chr17-61744484-A-C. GRCh37 (hg19) VCF-style: chr17-59821845-A-C.
Other names: short protein forms F735L.
Identifiers: ClinVar variation 1787687 (VCV001787687.8), dbSNP rs2077031296, ClinGen allele CA400482990.
Genomic context (GRCh38, chr17:61,744,484, plus strand): 5'-CCAGTTACCTTTCTCTCCTTTGTATTTGATTGCGTCATAGTACACCTGCAGTAATTCATC[A>C]AAATTTGTTTTTTCTCCTCCCTGTGGTTCTACAATGACTGTCTTCACCAACTCCAGATTA-3'
Protein context (NP_114432.2, residues 725-745): VEPQGGEKTN[Phe735Leu]DELLQVYYDA